The following is an entry in ClinVar:

NM_000548.5(TSC2):c.3240A>G (p.Leu1080=)

Gene: TSC2 (TSC complex subunit 2; plus strand). Cytogenetic location: 16p13.3.
Variant type: single nucleotide variant.
Coding change: c.3240A>G on transcript NM_000548.5 (MANE Select); coding-DNA position 3240, A replaced by G.
Protein change: p.Leu1080=; no amino-acid change (leucine 1080 retained).
Molecular consequence: synonymous variant.
Genome position (GRCh38, 1-based): chr16:2,079,384, A>G. VCF-style: chr16-2079384-A-G. GRCh37 (hg19) VCF-style: chr16-2129385-A-G.
Other names: c.3108A>G, p.Leu1036= (NM_001077183.3, NM_001370404.1); c.3240A>G, p.Leu1080= (NM_001114382.3); c.3000A>G, p.Leu1000= (NM_001318827.2); c.2964A>G, p.Leu988= (NM_001318829.2); c.2508A>G, p.Leu836= (NM_001318831.2); c.3141A>G, p.Leu1047= (NM_001318832.2); c.3111A>G, p.Leu1037= (NM_001363528.2, NM_001370405.1, NM_021055.3).
Identifiers: ClinVar variation 413621 (VCV000413621.21), dbSNP rs371514669, ClinGen allele CA16614975.
Genomic context (GRCh38, chr16:2,079,384, plus strand): 5'-GCTGGTTGGGAACAAGCTTGTCACTGTGACGACAAGCGTGGGAACCGGGACCCGGTCGTT[A>G]CTAGGCCTGGACTCGGGGGAGCTGCAGTCCGGCCCGGAGTCGAGGTGACTGCACCTTCCT-3'
Protein context (NP_000539.2, residues 1070-1090): TTSVGTGTRS[Leu1080=]LGLDSGELQS

ClinVar aggregate classification (germline): Benign/Likely benign. Review status: criteria provided, multiple submitters, no conflicts (2 of 4 stars). 6 submissions from 6 submitters: Benign (2); Likely benign (4). Last evaluated 2025-05-28.

Conditions:
Hereditary cancer-predisposing syndrome. Also called: Tumor predisposition; Neoplastic Syndromes, Hereditary; Hereditary Cancer Syndrome; Hereditary neoplastic syndrome. Identifiers: Orphanet 140162, MedGen C0027672, MeSH D009386, MONDO:0015356.
Tuberous sclerosis syndrome (TSC). Also called: Tuberous Sclerosis Complex; Tuberous sclerosis. Identifiers: Orphanet 805, MedGen C0041341, MONDO:0001734.
Tuberous sclerosis 2 (TSC2). Identifiers: Orphanet 805, MedGen C1860707, MONDO:0013199, OMIM 613254.

Allele frequency attached by ClinVar (database versions not stated): gnomAD 0.00003; TOPMed 0.00003; ESP Exome Variant Server 0.00015.
gnomAD v4.1: 28 of 1,586,138 alleles (0.0018%); highest among the groups gnomAD compares: Non-Finnish European, 0.0021%; no homozygotes.

Submissions (6):

Myriad Genetics, Inc.
Classification: Benign for Tuberous sclerosis 2. Last evaluated: 2025-05-28. Review status: criteria provided, single submitter. Criteria: Myriad Autosomal Dominant, Autosomal Recessive and X-Linked Classification Criteria (2023). Collection method: clinical testing. Allele origin: unknown.
Comment: This variant is considered benign. This variant is a silent/synonymous amino acid change and it is not expected to impact splicing.

Labcorp Genetics (formerly Invitae), Labcorp
Classification: Likely benign for Tuberous sclerosis 2. Last evaluated: 2025-01-23. Review status: criteria provided, single submitter. Criteria: Invitae Variant Classification Sherloc (09022015). Collection method: clinical testing. Allele origin: germline.

All of Us Research Program, National Institutes of Health
Classification: Likely benign for Tuberous sclerosis syndrome. Last evaluated: 2024-04-25. Review status: criteria provided, single submitter. Criteria: ACMG Guidelines, 2015. Collection method: clinical testing. Allele origin: germline. Inheritance: Autosomal dominant inheritance. Observed: 2 variant alleles, 2 heterozygotes.
Comment: This study involves interpretation of variants in research participants for the purpose of population health screening. Participant phenotype was not available at the time of variant classification. Additional details can be found in publication PMID: 35346344, PMCID: PMC8962531

Color Diagnostics, LLC DBA Color Health
Classification: Likely benign for Tuberous sclerosis syndrome. Last evaluated: 2022-09-30. Review status: criteria provided, single submitter. Criteria: ACMG Guidelines, 2015. Collection method: clinical testing. Allele origin: germline.

Genome-Nilou Lab
Classification: Benign for Tuberous sclerosis 2. Last evaluated: 2021-11-07. Review status: criteria provided, single submitter. Criteria: ACMG Guidelines, 2015. Collection method: clinical testing. Allele origin: germline. Affected: no.

Ambry Genetics
Classification: Likely benign for Hereditary cancer-predisposing syndrome. Last evaluated: 2018-03-14. Review status: criteria provided, single submitter. Criteria: Ambry Variant Classification Scheme 2023. Collection method: clinical testing. Allele origin: germline.